The following is an entry in ClinVar:

ClinVar aggregate classification (germline): Uncertain significance (1 of 4 stars; one submission).

Conditions:
Neuropathy, hereditary sensory and autonomic, type 1C. Also called: HSAN IC; HSN IC. Identifiers: Orphanet 36386, MedGen C3150896, MONDO:0013337, OMIM 613640.

Allele frequency attached by ClinVar (database versions not stated): TOPMed below 0.00001; gnomAD exomes 0.00001.
gnomAD v4.1: 5 of 1,614,100 alleles (0.00031%); highest among the groups gnomAD compares: Non-Finnish European, 0.00042%; no homozygotes.

Submission:

Labcorp Genetics (formerly Invitae), Labcorp
Classification: Uncertain significance for Neuropathy, hereditary sensory and autonomic, type 1C. Last evaluated: 2020-05-13. Review status: criteria provided, single submitter. Criteria: Invitae Variant Classification Sherloc (09022015). Collection method: clinical testing. Allele origin: germline.
Comment: In summary, this variant has uncertain impact on SPTLC2 function. The available evidence is currently insufficient to determine its role in disease. Therefore, it has been classified as a Variant of Uncertain Significance. Algorithms developed to predict the effect of missense changes on protein structure and function do not agree on the potential impact of this missense change (SIFT: "Deleterious"; PolyPhen-2: "Probably Damaging"; Align-GVGD: "Class C15"). This variant has not been reported in the literature in individuals with an SPTLC2-related disease. This variant is not present in population databases (ExAC no frequency). This sequence change replaces glycine with arginine at codon 180 of the SPTLC2 protein (p.Gly180Arg). The glycine residue is highly conserved and there is a moderate physicochemical difference between glycine and arginine.

NM_004863.4(SPTLC2):c.538G>C (p.Gly180Arg)

Gene: SPTLC2 (serine palmitoyltransferase long chain base subunit 2; minus strand). Cytogenetic location: 14q24.3.
Variant type: single nucleotide variant.
Coding change: c.538G>C on transcript NM_004863.4 (MANE Select); coding-DNA position 538, G replaced by C.
Protein change: p.Gly180Arg; replaces glycine 180 with arginine.
Molecular consequence: missense variant.
Genome position (GRCh38, 1-based): chr14:77,576,860, C>G on the plus strand (G>C on the coding strand, the complement: SPTLC2 is on the minus strand). VCF-style: chr14-77576860-C-G. GRCh37 (hg19) VCF-style: chr14-78043203-C-G.
Other names: short protein forms G180R.
Identifiers: ClinVar variation 487223 (VCV000487223.8), dbSNP rs1250368224, ClinGen allele CA390699393.